The following is an entry in ClinVar:

NM_018474.6(KIZ):c.1642A>G (p.Lys548Glu)

Genes: KIZ (kizuna centrosomal protein; plus strand), KIZ-AS1 (KIZ antisense RNA 1; minus strand). Cytogenetic location: 20p11.23.
Variant type: single nucleotide variant.
Coding change: c.1642A>G on transcript NM_018474.6 (MANE Select); coding-DNA position 1642, A replaced by G.
Protein change: p.Lys548Glu; replaces lysine 548 with glutamic acid.
Molecular consequence: missense variant.
Genome position (GRCh38, 1-based): chr20:21,215,612, A>G. VCF-style: chr20-21215612-A-G. GRCh37 (hg19) VCF-style: chr20-21196250-A-G.
Other names: c.1333A>G, p.Lys445Glu (NM_001163022.3); c.1243A>G, p.Lys415Glu (NM_001163023.3); c.1495A>G, p.Lys499Glu (NM_001276389.2); c.1588A>G, p.Lys530Glu (NM_001352434.2); c.1279A>G, p.Lys427Glu (NM_001352435.2); c.1300A>G, p.Lys434Glu (NM_001352436.2); short protein forms K415E, K499E, K427E, K530E, K548E, K434E, K445E.
Identifiers: ClinVar variation 1425920 (VCV001425920.10), dbSNP rs185109776, ClinGen allele CA9784934.

ClinVar aggregate classification (germline): Uncertain significance. Review status: criteria provided, multiple submitters, no conflicts (2 of 4 stars). 2 submissions from 2 submitters: Uncertain significance (2). Last evaluated 2024-10-23.

Allele frequency attached by ClinVar (database versions not stated): gnomAD 0.00001 and 0.00002; gnomAD exomes 0.00001 and 0.00003; TOPMed 0.00001; ExAC 0.00006; 1000 Genomes Project 30x 0.00016; 1000 Genomes Project 0.00020.
gnomAD v4.1: 16 of 1,607,334 alleles (0.001%); highest among the groups gnomAD compares: East Asian, 0.0067%; no homozygotes.

Submissions (2):

Labcorp Genetics (formerly Invitae), Labcorp
Classification: Uncertain significance. Last evaluated: 2024-10-23. Review status: criteria provided, single submitter. Criteria: Invitae Variant Classification Sherloc (09022015). Collection method: clinical testing. Allele origin: germline.
Comment: This sequence change replaces lysine, which is basic and polar, with glutamic acid, which is acidic and polar, at codon 548 of the KIZ protein (p.Lys548Glu). This variant is present in population databases (rs185109776, gnomAD 0.02%). This missense change has been observed in individual(s) with clinical features of retinal dystrophy (internal data). ClinVar contains an entry for this variant (Variation ID: 1425920). Experimental studies and prediction algorithms are not available or were not evaluated, and the functional significance of this variant is currently unknown. In summary, the available evidence is currently insufficient to determine the role of this variant in disease. Therefore, it has been classified as a Variant of Uncertain Significance.

Blueprint Genetics
Classification: Uncertain significance. Last evaluated: 2024-01-22. Review status: criteria provided, single submitter. Criteria: ACMG Guidelines, 2015. Collection method: clinical testing. Allele origin: germline.